The following is an entry in ClinVar:

ClinVar aggregate classification (germline): Benign. Review status: reviewed by expert panel (3 of 4 stars). 2 submissions from 2 submitters: Benign (1). 1 of the submissions does not count toward it. Last evaluated 2024-06-24.

Conditions:
Hereditary thrombocytopenia and hematologic cancer predisposition syndrome. Identifiers: Orphanet 71290, MedGen CN281654, MONDO:0011071.

Allele frequency attached by ClinVar (database versions not stated): gnomAD 0.00036 and 0.00039; TOPMed 0.00090; 1000 Genomes Project 0.00160; 1000 Genomes Project 30x 0.00187.
gnomAD v4.1: 141 of 1,519,458 alleles (0.0093%); highest among the groups gnomAD compares: Admixed American, 0.14%; 1 homozygote.

Submissions (3):

ClinGen Myeloid Malignancy Variant Curation Expert Panel
Classification: Benign for Hereditary thrombocytopenia and hematologic cancer predisposition syndrome. Last evaluated: 2024-06-24. Review status: reviewed by expert panel. Criteria: ClinGen MyeloMalig ACMG Specifications v2. Collection method: curation. Allele origin: germline. Inheritance: Autosomal dominant inheritance.
Comment: The c.-59-1G>A variant (NM_001754.5) is a canonical splice site substitution in the 5' UTR of RUNX1. Because the variant is located in the 5' UTR, it is not expected to alter the amino acid sequence. However, the computational splicing predictor SpliceAI gives a Δ score of 0.71 for acceptor loss at c.-59 and 0.30 for donor loss at c.-60, predicting that the variant disrupts both the acceptor and donor splice sites of intron 1 of RUNX1. As this variant represents c.-161847G>A in NM_001001890.3 (isoform B) and NM_001122607.2 (isoform A), meaning the effect is not the same across isoforms and less detrimental in isoforms A and B, PVS1 would not apply per the MM-VCEP. Furthermore, it is of note that other splicing algorithms (i.e., SSF-like and MES) do not predict an effect on the canonical donor splice site and do predict the creation of a cryptic acceptor splice site at c.-58 (SpliceAI Δ score of 0.10), which would only lead to loss of a single nucleotide (G at c.-59) if real. Finally, the highest population minor allele frequency in gnomAD v3 is 0.003601 (55/15274 alleles) in the Latino/Admixed American population, which is higher than the ClinGen MM-VCEP threshold of >0.0015 (BA1). Given this frequency, it is not surprising that the variant has been reported in patients who do not meet the RUNX1 phenotype criteria (PMID: 26046366, PMID: 26689913, PMID: 32778766). In summary, this variant meets the criteria to be classified as benign for hereditary thrombocytopenia and hematologic cancer predisposition syndrome based on the ACMG/AMP criteria applied, as specified by the ClinGen MM-VCEP: BA1.

GeneDx
Classification: Uncertain significance. Last evaluated: 2024-04-02. Review status: criteria provided, single submitter. Criteria: GeneDx Variant Classification Process June 2021. Collection method: clinical testing. Allele origin: germline. Affected: yes. Not counted in ClinVar's aggregate classification.
Comment: Canonical splice site variant predicted to result in a null allele in a gene for which loss-of-function is a known mechanism of disease; however, a downstream in-frame Methionine residue could serve as an alternate initiator codon which, if utilized, may result in a functional protein; This variant is associated with the following publications: (PMID: 26689913, 32778766, 26046366)

Dr. Peter K. Rogan Lab, Western University
No classification provided (evidence only). Condition: Familial cancer of breast. Review status: no classification provided. Collection method: in vitro. Allele origin: not applicable. Functional consequence: retained intron. Not counted in ClinVar's aggregate classification.

NM_001754.5(RUNX1):c.-59-1G>A

Gene: RUNX1 (RUNX family transcription factor 1; minus strand). Cytogenetic location: 21q22.12.
Variant type: single nucleotide variant.
Coding change: c.-59-1G>A on transcript NM_001754.5 (MANE Select); the canonical splice acceptor site of the intron before 59 bases upstream of the start codon, G replaced by A.
Molecular consequence: splice acceptor variant.
Genome position (GRCh38, 1-based): chr21:35,048,959, C>T on the plus strand (G>A on the coding strand, the complement: RUNX1 is on the minus strand). VCF-style: chr21-35048959-C-T. GRCh37 (hg19) VCF-style: chr21-36421256-C-T.
Other names: NC_000021.8:g.36421256C>T.
Identifiers: ClinVar variation 1200483 (VCV001200483.11), dbSNP rs192963187, ClinGen allele CA320741232.